The following is an entry in ClinVar:

NM_000528.4(MAN2B1):c.2437-23C>A

Gene: MAN2B1 (mannosidase alpha class 2B member 1; minus strand). Cytogenetic location: 19p13.13.
Variant type: single nucleotide variant.
Coding change: c.2437-23C>A on transcript NM_000528.4 (MANE Select); 23 bases into the intron before coding-DNA position 2437, C replaced by A.
Molecular consequence: intron variant.
Genome position (GRCh38, 1-based): chr19:12,648,425, G>T on the plus strand (C>A on the coding strand, the complement: MAN2B1 is on the minus strand). VCF-style: chr19-12648425-G-T. GRCh37 (hg19) VCF-style: chr19-12759239-G-T.
Other names: p.?; c.2434-23C>A (NM_001173498.2); c.2440-23C>A (NM_001440570.1).
Identifiers: ClinVar variation 4684311 (VCV004684311.1).
Genomic context (GRCh38, chr19:12,648,425, plus strand): 5'-ACTCCGCGTCCATCGTCCTTCAGCAGCCTTCGGTGCACCTGGGGGGAGAGTGGCCAGGAG[G>T]GGGTGAGAGTCGTGGGTTTGTGGGTGTCCTTGGGCCAGAAACTGGGTAAGGGCGTGTGGG-3'

ClinVar aggregate classification (germline): Likely benign (1 of 4 stars; one submission).

gnomAD v4.1: 1,269 of 1,585,482 alleles (0.08%); highest among the groups gnomAD compares: Non-Finnish European, 0.11%; 1 homozygote.

Submission:

Mayo Clinic Laboratories, Mayo Clinic
Classification: Likely benign. Last evaluated: 2025-08-08. Review status: criteria provided, single submitter. Criteria: ACMG Guidelines, 2015. Collection method: clinical testing. Allele origin: germline. Observed: 1 variant allele.
Comment: BP4, BP7